The following is an entry in ClinVar:

NM_015488.5(PNKD):c.302G>C (p.Arg101Pro)

Genes: CATIP-AS2 (CATIP antisense RNA 2; minus strand), PNKD (PNKD metallo-beta-lactamase domain containing; plus strand). Cytogenetic location: 2q35.
Variant type: single nucleotide variant.
Coding change: c.302G>C on transcript NM_015488.5 (MANE Select); coding-DNA position 302, G replaced by C.
Protein change: p.Arg101Pro; replaces arginine 101 with proline.
Molecular consequence: missense variant.
Genome position (GRCh38, 1-based): chr2:218,339,848, G>C. VCF-style: chr2-218339848-G-C. GRCh37 (hg19) VCF-style: chr2-219204571-G-C.
Other names: c.230G>C, p.Arg77Pro (NM_022572.5); short protein forms R101P, R77P.
Identifiers: ClinVar variation 1009575 (VCV001009575.10), dbSNP rs368934552, ClinGen allele CA65758852.

ClinVar aggregate classification (germline): Uncertain significance. Review status: criteria provided, multiple submitters, no conflicts (2 of 4 stars). 2 submissions from 2 submitters: Uncertain significance (2). Last evaluated 2026-02-04.

Conditions:
Paroxysmal nonkinesigenic dyskinesia. Also called: Paroxysmal non-kinesigenic dyskinesia. Identifiers: Orphanet 98810, MedGen C1869117, MONDO:0700088.

Allele frequency attached by ClinVar (database versions not stated): TOPMed 0.00002; ESP Exome Variant Server 0.00008.
gnomAD v4.1: 9 of 1,613,010 alleles (0.00056%); highest among the groups gnomAD compares: Non-Finnish European, 0.00076%; no homozygotes.

Submissions (2):

Women's Health and Genetics/Laboratory Corporation of America, LabCorp
Classification: Uncertain significance. Last evaluated: 2026-02-04. Review status: criteria provided, single submitter. Criteria: LabCorp Variant Classification Summary - May 2015. Collection method: clinical testing. Allele origin: germline.
Comment: Variant summary: PNKD c.302G>C (p.Arg101Pro) results in a non-conservative amino acid change in the encoded protein sequence. Algorithms developed to predict the effect of missense changes on protein structure and function all suggest that this variant is likely to be disruptive. The variant was absent in 248784 control chromosomes. The available data on variant occurrences in the general population are insufficient to allow any conclusion about variant significance. To our knowledge, no occurrence of c.302G>C in individuals affected with PNKD-related conditions and no experimental evidence demonstrating its impact on protein function have been reported. ClinVar contains an entry for this variant (Variation ID: 1009575). Based on the evidence outlined above, the variant was classified as uncertain significance.

Labcorp Genetics (formerly Invitae), Labcorp
Classification: Uncertain significance for Paroxysmal nonkinesigenic dyskinesia. Last evaluated: 2020-09-25. Review status: criteria provided, single submitter. Criteria: Invitae Variant Classification Sherloc (09022015). Collection method: clinical testing. Allele origin: germline.
Comment: This sequence change replaces arginine with proline at codon 101 of the PNKD protein (p.Arg101Pro). The arginine residue is highly conserved and there is a moderate physicochemical difference between arginine and proline. In summary, the available evidence is currently insufficient to determine the role of this variant in disease. Therefore, it has been classified as a Variant of Uncertain Significance. Algorithms developed to predict the effect of missense changes on protein structure and function (SIFT, PolyPhen-2, Align-GVGD) all suggest that this variant is likely to be disruptive, but these predictions have not been confirmed by published functional studies and their clinical significance is uncertain. This variant has not been reported in the literature in individuals with PNKD-related conditions. This variant is not present in population databases (ExAC no frequency).